The following is an entry in ClinVar:

NM_016363.5(GP6):c.725-1G>C

Gene: GP6 (glycoprotein VI platelet; minus strand). Cytogenetic location: 19q13.42.
Variant type: single nucleotide variant.
Coding change: c.725-1G>C on transcript NM_016363.5 (MANE Select); the canonical splice acceptor site of the intron before coding-DNA position 725, G replaced by C.
Molecular consequence: splice acceptor variant.
Genome position (GRCh38, 1-based): chr19:55,015,734, C>G on the plus strand (G>C on the coding strand, the complement: GP6 is on the minus strand). VCF-style: chr19-55015734-C-G. GRCh37 (hg19) VCF-style: chr19-55527102-C-G.
Other names: c.671-1G>C (NM_001256017.2); c.725-1G>C (NM_001083899.2).
Identifiers: ClinVar variation 3657322 (VCV003657322.2).
Genomic context (GRCh38, chr19:55,015,734, plus strand): 5'-CTTACTCACCAGCTGGAGAGTCTGACTCCTTTGGACTGGCGGTGATACTCCTAGAAGTCT[C>G]TGGGAACCAAACAAAGGCTAAGTGTGAAATGAAACCATATTCCCGCCCCCTGTCACTGTG-3'

ClinVar aggregate classification (germline): Likely pathogenic (1 of 4 stars; one submission).

Submission:

Labcorp Genetics (formerly Invitae), Labcorp
Classification: Likely pathogenic. Last evaluated: 2024-06-21. Review status: criteria provided, single submitter. Criteria: Invitae Variant Classification Sherloc (09022015). Collection method: clinical testing. Allele origin: germline.
Comment: This sequence change affects an acceptor splice site in intron 6 of the GP6 gene. It is expected to disrupt RNA splicing. Variants that disrupt the donor or acceptor splice site typically lead to a loss of protein function (PMID: 16199547), and loss-of-function variants in GP6 are known to be pathogenic (PMID: 16139873, 23815599). This variant is not present in population databases (gnomAD no frequency). This variant has not been reported in the literature in individuals affected with GP6-related conditions. Algorithms developed to predict the effect of sequence changes on RNA splicing suggest that this variant may disrupt the consensus splice site. In summary, the currently available evidence indicates that the variant is pathogenic, but additional data are needed to prove that conclusively. Therefore, this variant has been classified as Likely Pathogenic.

Literature cited by the submitters: PubMed 16199547; PubMed 16139873; PubMed 23815599.